The following is an entry in ClinVar:

NM_177438.3(DICER1):c.510C>T (p.Asn170=)

Gene: DICER1 (dicer 1, ribonuclease III; minus strand). Cytogenetic location: 14q32.13.
Variant type: single nucleotide variant.
Coding change: c.510C>T on transcript NM_177438.3 (MANE Select); coding-DNA position 510, C replaced by T.
Protein change: p.Asn170=; no amino-acid change (asparagine 170 retained).
Molecular consequence: synonymous variant.
Genome position (GRCh38, 1-based): chr14:95,130,121, G>A on the plus strand (C>T on the coding strand, the complement: DICER1 is on the minus strand). VCF-style: chr14-95130121-G-A. GRCh37 (hg19) VCF-style: chr14-95596458-G-A.
Other names: c.510C>T, p.Asn170= (NM_001195573.1, NM_001271282.3, NM_001291628.2 and 1 more transcripts).
Identifiers: ClinVar variation 1546721 (VCV001546721.12), dbSNP rs1566811753, ClinGen allele CA487633923.
Genomic context (GRCh38, chr14:95,130,121, plus strand): 5'-CATAATTTCTCGATAGGGGTGGTCTAGGATTGCAAGATGACACTCATCAAACACCAAAAG[G>A]TTAATGTCTGACAGTGATAAGTAACCATTTTTCAAAACATTCAAGGCGACATAGCAAGTC-3'
Protein context (NP_803187.1, residues 160-180): KNGYLSLSDI[Asn170=]LLVFDECHLA

ClinVar aggregate classification (germline): Benign/Likely benign. Review status: criteria provided, multiple submitters, no conflicts (2 of 4 stars). 3 submissions from 3 submitters: Benign (1); Likely benign (2). Last evaluated 2026-08-19.

Conditions:
DICER1-related tumor predisposition. Also called: DICER1-related pleuropulmonary blastoma cancer predisposition syndrome; DICER1 syndrome. Identifiers: Orphanet 284343, MedGen C3839822, MONDO:0100216.
Hereditary cancer-predisposing syndrome. Also called: Neoplastic Syndromes, Hereditary; Tumor predisposition; Hereditary Cancer Syndrome; Hereditary neoplastic syndrome. Identifiers: Orphanet 140162, MedGen C0027672, MeSH D009386, MONDO:0015356.

Allele frequency attached by ClinVar (database versions not stated): gnomAD exomes below 0.00001.
gnomAD v4.1: 2 of 1,613,290 alleles (0.00012%); highest among the groups gnomAD compares: South Asian, 0.0011%; no homozygotes.

Submissions (3):

Myriad Genetics, Inc.
Classification: Benign for DICER1-related tumor predisposition. Last evaluated: 2026-08-19. Review status: criteria provided, single submitter. Criteria: Myriad Autosomal Dominant, Autosomal Recessive and X-Linked Classification Criteria (2023). Collection method: clinical testing. Allele origin: unknown.
Comment: This variant is considered benign. This variant is a silent/synonymous amino acid change and it is not expected to impact splicing.

Labcorp Genetics (formerly Invitae), Labcorp
Classification: Likely benign for DICER1-related tumor predisposition. Last evaluated: 2025-10-13. Review status: criteria provided, single submitter. Criteria: Invitae Variant Classification Sherloc (09022015). Collection method: clinical testing. Allele origin: germline.

Ambry Genetics
Classification: Likely benign for Hereditary cancer-predisposing syndrome. Last evaluated: 2019-12-22. Review status: criteria provided, single submitter. Criteria: Ambry Variant Classification Scheme 2023. Collection method: clinical testing. Allele origin: germline.